The following is an entry in ClinVar:

ClinVar aggregate classification (germline): Likely pathogenic (1 of 4 stars; one submission).

Conditions:
Charcot-Marie-Tooth disease axonal type 2V. Also called: CHARCOT-MARIE-TOOTH NEUROPATHY, TYPE 2V; CHARCOT-MARIE-TOOTH DISEASE, AXONAL, AUTOSOMAL DOMINANT, TYPE 2V. Identifiers: Orphanet 447964, MedGen C5569050, MONDO:0014665, OMIM 616491.

Submission:

Human Genetics Bochum, Ruhr University Bochum
Classification: Likely pathogenic for Charcot-Marie-Tooth disease axonal type 2V. Last evaluated: 2025-02-06. Review status: criteria provided, single submitter. Criteria: ACMG Guidelines, 2015. Collection method: clinical testing. Allele origin: germline. Affected: yes.
Comment: ACMG criteria used to clasify this variant: PP3_STR, PM1_SUP, PM2_SUP, PP2

NM_000263.4(NAGLU):c.468G>C (p.Trp156Cys)

Gene: NAGLU (N-acetyl-alpha-glucosaminidase; plus strand). Cytogenetic location: 17q21.2.
Variant type: single nucleotide variant.
Coding change: c.468G>C on transcript NM_000263.4 (MANE Select); coding-DNA position 468, G replaced by C.
Protein change: p.Trp156Cys; replaces tryptophan 156 with cysteine.
Molecular consequence: missense variant.
Genome position (GRCh38, 1-based): chr17:42,537,482, G>C. VCF-style: chr17-42537482-G-C. GRCh37 (hg19) VCF-style: chr17-40689500-G-C.
Other names: short protein forms W156C.
Identifiers: ClinVar variation 4687892 (VCV004687892.1).